The following is an entry in ClinVar:

ClinVar aggregate classification (germline): Uncertain significance (1 of 4 stars; one submission).

Submission:

Labcorp Genetics (formerly Invitae), Labcorp
Classification: Uncertain significance. Last evaluated: 2021-03-18. Review status: criteria provided, single submitter. Criteria: Invitae Variant Classification Sherloc (09022015). Collection method: clinical testing. Allele origin: germline.
Comment: Nucleotide substitutions within the consensus splice site are a relatively common cause of aberrant splicing (PMID: 17576681, 9536098). Algorithms developed to predict the effect of sequence changes on RNA splicing suggest that this variant is not likely to affect RNA splicing, but this prediction has not been confirmed by published transcriptional studies. This variant has not been reported in the literature in individuals with COL11A1-related conditions. This variant is not present in population databases (ExAC no frequency). This sequence change falls in intron 51 of the COL11A1 gene. It does not directly change the encoded amino acid sequence of the COL11A1 protein. It affects a nucleotide within the consensus splice site of the intron. In summary, the available evidence is currently insufficient to determine the role of this variant in disease. Therefore, it has been classified as a Variant of Uncertain Significance.

Literature cited by the submitters: PubMed 17576681; PubMed 9536098.

NM_001854.4(COL11A1):c.3924+4A>C

Gene: COL11A1 (collagen type XI alpha 1 chain; minus strand). Cytogenetic location: 1p21.1.
Variant type: single nucleotide variant.
Coding change: c.3924+4A>C on transcript NM_001854.4 (MANE Select); 4 bases into the intron after coding-DNA position 3924, A replaced by C.
Molecular consequence: intron variant.
Genome position (GRCh38, 1-based): chr1:102,914,700, T>G on the plus strand (A>C on the coding strand, the complement: COL11A1 is on the minus strand). VCF-style: chr1-102914700-T-G. GRCh37 (hg19) VCF-style: chr1-103380256-T-G.
Other names: c.3807+4A>C (NM_001190709.2); c.3960+4A>C (NM_080629.3); c.3576+4A>C (NM_080630.4).
Identifiers: ClinVar variation 1517483 (VCV001517483.6), dbSNP rs2101032268, ClinGen allele CA2573130856.